The following is an entry in ClinVar:

NM_020706.2(SCAF4):c.1615-7G>A

Gene: SCAF4 (SR-related CTD associated factor 4; minus strand). Cytogenetic location: 21q22.11.
Variant type: single nucleotide variant.
Coding change: c.1615-7G>A on transcript NM_020706.2 (MANE Select); 7 bases into the intron before coding-DNA position 1615, G replaced by A.
Molecular consequence: intron variant.
Genome position (GRCh38, 1-based): chr21:31,691,937, C>T on the plus strand (G>A on the coding strand, the complement: SCAF4 is on the minus strand). VCF-style: chr21-31691937-C-T. GRCh37 (hg19) VCF-style: chr21-33064250-C-T.
Other names: c.1570-7G>A (NM_001145444.1); c.1615-7G>A (NM_001145445.1).
Identifiers: ClinVar variation 2580499 (VCV002580499.1), dbSNP rs750217820, ClinGen allele CA2580618160.

ClinVar aggregate classification (germline): Uncertain significance (1 of 4 stars; one submission).

Submission:

GeneDx
Classification: Uncertain significance. Last evaluated: 2023-03-22. Review status: criteria provided, single submitter. Criteria: GeneDx Variant Classification Process June 2021. Collection method: clinical testing. Allele origin: germline. Affected: yes.
Comment: Not observed at significant frequency in large population cohorts (gnomAD); In silico analysis supports a deleterious effect on splicing; Has not been previously published as pathogenic or benign to our knowledge